The following is an entry in ClinVar:

NM_012424.6(RPS6KC1):c.1283T>A (p.Phe428Tyr)

Gene: RPS6KC1 (ribosomal protein S6 kinase C1; plus strand). Cytogenetic location: 1q32.3.
Variant type: single nucleotide variant.
Coding change: c.1283T>A on transcript NM_012424.6 (MANE Select); coding-DNA position 1283, T replaced by A.
Protein change: p.Phe428Tyr; replaces phenylalanine 428 with tyrosine.
Molecular consequence: missense variant. On other transcripts: 5 prime UTR variant (11), non-coding transcript variant (4).
Genome position (GRCh38, 1-based): chr1:213,240,759, T>A. VCF-style: chr1-213240759-T-A. GRCh37 (hg19) VCF-style: chr1-213414102-T-A.
Other names: c.1247T>A, p.Phe416Tyr (NM_001136138.4); c.647T>A, p.Phe216Tyr (NM_001287218.3, NM_001287219.3, NM_001349654.2); c.-113T>A (NM_001287220.3, NM_001349663.2, NM_001349664.2 and 8 more transcripts); c.740T>A, p.Phe247Tyr (NM_001287221.3, NM_001349648.2, NM_001349649.2 and 4 more transcripts); c.1190T>A, p.Phe397Tyr (NM_001349646.2); c.920T>A, p.Phe307Tyr (NM_001349647.2); c.227T>A, p.Phe76Tyr (NM_001349660.2, NM_001349661.2, NM_001349662.2 and 1 more transcripts); c.392T>A, p.Phe131Tyr (NM_001349657.2, NM_001349658.2); and 1 more; short protein forms F131Y, F76Y, F216Y, F397Y, F416Y, F247Y, F307Y, F428Y.
Identifiers: ClinVar variation 3687505 (VCV003687505.3).

ClinVar aggregate classification (germline): Uncertain significance. Review status: criteria provided, multiple submitters, no conflicts (2 of 4 stars). 2 submissions from 2 submitters: Uncertain significance (2). Last evaluated 2025-08-24.

gnomAD v4.1: 10 of 1,613,774 alleles (0.00062%); highest among the groups gnomAD compares: Non-Finnish European, 0.00085%; no homozygotes.

Submissions (2):

Ambry Genetics
Classification: Uncertain significance. Last evaluated: 2025-08-24. Review status: criteria provided, single submitter. Criteria: Ambry Variant Classification Scheme 2023. Collection method: clinical testing. Allele origin: germline.

Labcorp Genetics (formerly Invitae), Labcorp
Classification: Uncertain significance. Last evaluated: 2024-04-07. Review status: criteria provided, single submitter. Criteria: Invitae Variant Classification Sherloc (09022015). Collection method: clinical testing. Allele origin: germline.
Comment: This sequence change replaces phenylalanine, which is neutral and non-polar, with tyrosine, which is neutral and polar, at codon 428 of the RPS6KC1 protein (p.Phe428Tyr). This variant is present in population databases (rs376486080, gnomAD 0.002%). This variant has not been reported in the literature in individuals affected with RPS6KC1-related conditions. An algorithm developed to predict the effect of missense changes on protein structure and function (PolyPhen-2) suggests that this variant is likely to be disruptive. In summary, the available evidence is currently insufficient to determine the role of this variant in disease. Therefore, it has been classified as a Variant of Uncertain Significance.